The following is an entry in ClinVar:

ClinVar aggregate classification (germline): Pathogenic/Likely pathogenic. Review status: criteria provided, multiple submitters, no conflicts (2 of 4 stars). 5 submissions from 5 submitters: Pathogenic (1); Likely pathogenic (3). 1 of the submissions does not count toward it. Last evaluated 2026-07-08.

Conditions:
MPI-related disorder. Also called: MPI-related condition.
MPI-congenital disorder of glycosylation. Also called: CDG Ib; CONGENITAL DISORDER OF GLYCOSYLATION, TYPE Ib; MANNOSEPHOSPHATE ISOMERASE DEFICIENCY; MPI-CDG; MPI DEFICIENCY; PROTEIN-LOSING ENTEROPATHY-HEPATIC FIBROSIS SYNDROME. Identifiers: Orphanet 79319, MedGen C1865145, MONDO:0011257, OMIM 602579.

Allele frequency attached by ClinVar (database versions not stated): ExAC 0.00003; gnomAD 0.00003; gnomAD exomes 0.00003; TOPMed 0.00006.
gnomAD v4.1: 58 of 1,614,098 alleles (0.0036%); highest among the groups gnomAD compares: Admixed American, 0.01%; no homozygotes.

Submissions (5):

PreventionGenetics, part of Exact Sciences
Classification: Likely pathogenic for MPI-related condition. Last evaluated: 2026-07-08. Review status: criteria provided, single submitter. Criteria: ACMG Guidelines, 2015. Collection method: clinical testing. Allele origin: germline.
Comment: The MPI c.305C>T variant is predicted to result in the amino acid substitution p.Ser102Leu. This variant has been reported with a second MPI variant in individuals with congenital disorder of glycosylation 1b (Jaeken et al. 1998. PubMed ID: 9585601; de Lonlay et al. 2001. PubMed ID: 11134235). Experimental studies indicate this variant results in a loss of enzyme activity (Sharma V. et al. 2014. PubMed ID: 24421398). This variant is reported in 0.0085% of alleles in individuals of Latino descent in gnomAD. This variant is interpreted as likely pathogenic.

Laboratory of Medical Genetics, National & Kapodistrian University of Athens
Classification: Pathogenic for MPI-congenital disorder of glycosylation. Last evaluated: 2024-02-01. Review status: criteria provided, single submitter. Criteria: ACMG Guidelines, 2015. Collection method: curation. Allele origin: germline. Affected: no.

Women's Health and Genetics/Laboratory Corporation of America, LabCorp
Classification: Likely pathogenic for MPI-congenital disorder of glycosylation. Last evaluated: 2023-02-21. Review status: criteria provided, single submitter. Criteria: LabCorp Variant Classification Summary - May 2015. Collection method: clinical testing. Allele origin: germline.
Comment: Variant summary: MPI c.305C>T (p.Ser102Leu) results in a non-conservative amino acid change in the encoded protein sequence. Five of five in-silico tools predict a damaging effect of the variant on protein function. The variant allele was found at a frequency of 3.2e-05 in 251468 control chromosomes (gnomAD). c.305C>T has been reported in the literature in at least compound heterozygous individual affected with Congenital Disorder Of Glycosylation Type 1B (Jaeken_1998). These data do not allow any conclusion about variant significance. When the variant was introduced into the mouse ortholog of the MPI gene and expressed in an mpi-null yeast strain, the variant showed 0.6% residual activity (He_2014), indicating loss of function. One ClinVar submitter has assessed the variant since 2014: the variant was classified as likely pathogenic. Based on the evidence outlined above, the variant was classified as likely pathogenic.

Fulgent Genetics
Classification: Likely pathogenic for MPI-congenital disorder of glycosylation. Last evaluated: 2021-07-28. Review status: criteria provided, single submitter. Criteria: ACMG Guidelines, 2015. Collection method: clinical testing. Allele origin: unknown.

OMIM
Classification: Pathogenic for CONGENITAL DISORDER OF GLYCOSYLATION, TYPE Ib. Last evaluated: 1998-06-01. Review status: no assertion criteria provided. Collection method: literature only. Allele origin: germline. Not counted in ClinVar's aggregate classification.

Literature cited by the submitters: PubMed 11134235 (cited by Women's Health and Genetics/Laboratory Corporation of America, LabCorp); PubMed 24474243 (cited by Women's Health and Genetics/Laboratory Corporation of America, LabCorp); PubMed 9585601 (cited by Women's Health and Genetics/Laboratory Corporation of America, LabCorp and OMIM).

NM_002435.3(MPI):c.305C>T (p.Ser102Leu)

Gene: MPI (mannose phosphate isomerase; plus strand). Cytogenetic location: 15q24.1.
Variant type: single nucleotide variant.
Coding change: c.305C>T on transcript NM_002435.3 (MANE Select); coding-DNA position 305, C replaced by T.
Protein change: p.Ser102Leu; replaces serine 102 with leucine.
Molecular consequence: missense variant.
Genome position (GRCh38, 1-based): chr15:74,891,539, C>T. VCF-style: chr15-74891539-C-T. GRCh37 (hg19) VCF-style: chr15-75183880-C-T.
Other names: c.305C>T, p.Ser102Leu (NM_001289155.2, NM_001289157.2); c.155C>T, p.Ser52Leu (NM_001289156.2); c.245C>T, p.Ser82Leu (NM_001330372.2); c.305C>T (NM_002435.2); short protein forms S102L, S52L, S82L.
Identifiers: ClinVar variation 14346 (VCV000014346.7), dbSNP rs104894494, ClinGen allele CA257211.
Genomic context (GRCh38, chr15:74,891,539, plus strand): 5'-TGGGCTCAAAGGTCAAGGACACCTTTAATGGCAACCTGCCCTTCCTCTTCAAAGTGCTCT[C>T]AGTTGAAACACCCCTGTCCATCCAGGCACACCCTAACAAGGTAAAGGACAGAGTGCGGTG-3'
Protein context (NP_002426.1, residues 92-112): GNLPFLFKVL[Ser102Leu]VETPLSIQAH